The following is an entry in ClinVar:

NM_001127208.3(TET2):c.4127A>G (p.Asp1376Gly)

Genes: TET2 (tet methylcytosine dioxygenase 2; plus strand), TET2-AS1 (TET2 antisense RNA 1; minus strand). Cytogenetic location: 4q24.
Variant type: single nucleotide variant.
Coding change: c.4127A>G on transcript NM_001127208.3 (MANE Select); coding-DNA position 4127, A replaced by G.
Protein change: p.Asp1376Gly; replaces aspartic acid 1376 with glycine.
Molecular consequence: missense variant.
Genome position (GRCh38, 1-based): chr4:105,269,692, A>G. VCF-style: chr4-105269692-A-G. GRCh37 (hg19) VCF-style: chr4-106190849-A-G.
Other names: short protein forms D1376G.
Identifiers: ClinVar variation 5039767 (VCV005039767.1).

ClinVar aggregate classification (germline): Likely pathogenic (1 of 4 stars; one submission).

Submission:

CeGaT Center for Human Genetics Tuebingen
Classification: Likely pathogenic. Last evaluated: 2026-09-01. Review status: criteria provided, single submitter. Criteria: CeGaT Center For Human Genetics Tuebingen Variant Classification Criteria Version 2. Collection method: clinical testing. Allele origin: germline. Affected: yes. Observed: 1 variant allele.
Comment: TET2: PM1, PM2, PS4:Moderate